The following is an entry in ClinVar:

ClinVar aggregate classification (germline): Uncertain significance (1 of 4 stars; one submission).

Conditions:
Acromesomelic dysplasia 1, Maroteaux type (AMD1). Also called: ACROMESOMELIC DYSPLASIA 1; ST. HELENA DYSPLASIA. Identifiers: Orphanet 40, MedGen C1864356, MONDO:0011275, OMIM 602875.
Tall stature-scoliosis-macrodactyly of the great toes syndrome. Also called: Epiphyseal chondrodysplasia, miura type. Identifiers: Orphanet 329191, MedGen C4014690, MONDO:0014401, OMIM 615923.

Submission:

Labcorp Genetics (formerly Invitae), Labcorp
Classification: Uncertain significance for Tall stature-scoliosis-macrodactyly of the great toes syndrome; Acromesomelic dysplasia 1, Maroteaux type. Last evaluated: 2022-08-16. Review status: criteria provided, single submitter. Criteria: Invitae Variant Classification Sherloc (09022015). Collection method: clinical testing. Allele origin: germline.
Comment: In summary, the available evidence is currently insufficient to determine the role of this variant in disease. Therefore, it has been classified as a Variant of Uncertain Significance. Algorithms developed to predict the effect of missense changes on protein structure and function are either unavailable or do not agree on the potential impact of this missense change (SIFT: "Deleterious"; PolyPhen-2: "Benign"; Align-GVGD: "Class C45"). This variant has not been reported in the literature in individuals affected with NPR2-related conditions. This variant is not present in population databases (gnomAD no frequency). This sequence change replaces glutamine, which is neutral and polar, with lysine, which is basic and polar, at codon 781 of the NPR2 protein (p.Gln781Lys).

NM_003995.4(NPR2):c.2341C>A (p.Gln781Lys)

Gene: NPR2 (natriuretic peptide receptor 2; plus strand). Cytogenetic location: 9p13.3.
Variant type: single nucleotide variant.
Coding change: c.2341C>A on transcript NM_003995.4 (MANE Select); coding-DNA position 2341, C replaced by A.
Protein change: p.Gln781Lys; replaces glutamine 781 with lysine.
Molecular consequence: missense variant.
Genome position (GRCh38, 1-based): chr9:35,806,202, C>A. VCF-style: chr9-35806202-C-A. GRCh37 (hg19) VCF-style: chr9-35806199-C-A.
Other names: c.2350C>A, p.Gln784Lys (NM_001378923.1); short protein forms Q784K, Q781K.
Identifiers: ClinVar variation 1963692 (VCV001963692.5), dbSNP rs768852284, ClinGen allele CA5051940.